The following is an entry in ClinVar:

NM_001164508.2(NEB):c.7788G>T (p.Trp2596Cys)

Gene: NEB (nebulin; minus strand). Cytogenetic location: 2q23.3.
Variant type: single nucleotide variant.
Coding change: c.7788G>T on transcript NM_001164508.2 (MANE Select); coding-DNA position 7788, G replaced by T.
Protein change: p.Trp2596Cys; replaces tryptophan 2596 with cysteine.
Molecular consequence: missense variant.
Genome position (GRCh38, 1-based): chr2:151,643,986, C>A on the plus strand (G>T on the coding strand, the complement: NEB is on the minus strand). VCF-style: chr2-151643986-C-A. GRCh37 (hg19) VCF-style: chr2-152500500-C-A.
Other names: c.7788G>T, p.Trp2596Cys (NM_001164507.2, NM_001271208.2, NM_004543.5); short protein forms W2596C.
Identifiers: ClinVar variation 946695 (VCV000946695.12), dbSNP rs377602828, ClinGen allele CA1909755.

ClinVar aggregate classification (germline): Uncertain significance. Review status: criteria provided, single submitter (1 of 4 stars). 2 submissions from 2 submitters: Uncertain significance (1). 1 of the submissions does not count toward it. Last evaluated 2022-03-23.

Conditions:
Nemaline myopathy 2 (NEM2). Also called: Nemaline myopathy 2, autosomal recessive. Identifiers: MedGen C1850569, MONDO:0009725, OMIM 256030.

Allele frequency attached by ClinVar (database versions not stated): gnomAD exomes below 0.00001 and 0.00001; ExAC 0.00001; gnomAD 0.00001; TOPMed 0.00001; ESP Exome Variant Server 0.00008.
gnomAD v4.1: 9 of 1,613,826 alleles (0.00056%); highest among the groups gnomAD compares: Admixed American, 0.0017%; no homozygotes.

Submissions (2):

Labcorp Genetics (formerly Invitae), Labcorp
Classification: Uncertain significance for Nemaline myopathy 2. Last evaluated: 2022-03-23. Review status: criteria provided, single submitter. Criteria: Invitae Variant Classification Sherloc (09022015). Collection method: clinical testing. Allele origin: germline.
Comment: In summary, the available evidence is currently insufficient to determine the role of this variant in disease. Therefore, it has been classified as a Variant of Uncertain Significance. Algorithms developed to predict the effect of sequence changes on RNA splicing suggest that this variant may create or strengthen a splice site. Algorithms developed to predict the effect of missense changes on protein structure and function are either unavailable or do not agree on the potential impact of this missense change (SIFT: "Deleterious"; PolyPhen-2: "Not Available"; Align-GVGD: "Class C0"). ClinVar contains an entry for this variant (Variation ID: 946695). This variant has not been reported in the literature in individuals affected with NEB-related conditions. This variant is present in population databases (rs377602828, gnomAD 0.002%). This sequence change replaces tryptophan, which is neutral and slightly polar, with cysteine, which is neutral and slightly polar, at codon 2596 of the NEB protein (p.Trp2596Cys).

Natera, Inc.
Classification: Uncertain significance for Nemaline myopathy type 2. Last evaluated: 2020-11-30. Review status: no assertion criteria provided. Collection method: clinical testing. Allele origin: germline. Not counted in ClinVar's aggregate classification.